The following is an entry in ClinVar:

ClinVar aggregate classification (germline): Pathogenic (1 of 4 stars; one submission).

Conditions:
Joubert syndrome. Also called: CEREBELLOPARENCHYMAL DISORDER IV; JOUBERT-BOLTSHAUSER SYNDROME; Familial aplasia of the vermis. Identifiers: Orphanet 475, MedGen C5979921, MONDO:0018772.
Orofaciodigital syndrome I (OFD1). Also called: OFDS I; Papillon-Leage and Psaume Syndrome; Oral-Facial-Digital Syndrome Type I. Identifiers: Orphanet 2750, MedGen C1510460, MONDO:0010702, OMIM 311200.

Submission:

Labcorp Genetics (formerly Invitae), Labcorp
Classification: Pathogenic for Orofaciodigital syndrome I; Joubert syndrome. Last evaluated: 2017-04-08. Review status: criteria provided, single submitter. Criteria: Invitae Variant Classification Sherloc (09022015). Collection method: clinical testing. Allele origin: germline.
Comment: A gross deletion of the genomic region encompassing the full coding sequence of the OFD1Â¬â€ gene has been identified. The boundaries of this event are unknown as the deletion extends beyond the assayed region for this gene and therefore may encompass additional genes. Whole gene deletions of OFD1 have been reported in two unrelated individuals with oral-facial-digital syndrome (PMID: 23033313) and one individual with ventriculomegaly and agenesis of the corpus callosum (PMID: 24476948). In summary, this gross deletion eliminates one copy of the OFD1 gene and similar deletions have been reported in affected individuals. For these reasons, this deletion has been classified as Pathogenic.

NC_000023.11:g.(?_13735052)_(13769128_?)del

Genes: OFD1 (OFD1 centriole and centriolar satellite protein; plus strand), LOC126863212 (CDK7 strongly-dependent group 2 enhancer GRCh37_chrX:13752241-13753440; plus strand), LOC130067975 (ATAC-STARR-seq lymphoblastoid silent region 20669; plus strand), LOC130067976 (ATAC-STARR-seq lymphoblastoid active region 29445; plus strand). Cytogenetic location: Xp22.2.
Variant type: Deletion.
Identifiers: ClinVar variation 463447 (VCV000463447.1).